The following is an entry in ClinVar:

ClinVar aggregate classification (germline): Uncertain significance (1 of 4 stars; one submission).

Allele frequency attached by ClinVar (database versions not stated): ExAC 0.00001; gnomAD 0.00001; TOPMed 0.00001; 1000 Genomes Project 30x 0.00016; 1000 Genomes Project 0.00020.
gnomAD v4.1: 2 of 1,614,094 alleles (0.00012%); highest among the groups gnomAD compares: African/African-American, 0.0027%; no homozygotes.

Submission:

Labcorp Genetics (formerly Invitae), Labcorp
Classification: Uncertain significance. Last evaluated: 2024-01-19. Review status: criteria provided, single submitter. Criteria: Invitae Variant Classification Sherloc (09022015). Collection method: clinical testing. Allele origin: germline.
Comment: This sequence change replaces asparagine, which is neutral and polar, with histidine, which is basic and polar, at codon 69 of the MGP protein (p.Asn69His). This variant is present in population databases (rs539042522, gnomAD 0.007%). This variant has not been reported in the literature in individuals affected with MGP-related conditions. An algorithm developed to predict the effect of missense changes on protein structure and function (PolyPhen-2) suggests that this variant is likely to be tolerated. In summary, the available evidence is currently insufficient to determine the role of this variant in disease. Therefore, it has been classified as a Variant of Uncertain Significance.

NM_000900.5(MGP):c.205A>C (p.Asn69His)

Gene: MGP (matrix Gla protein; minus strand). Cytogenetic location: 12p12.3.
Variant type: single nucleotide variant.
Coding change: c.205A>C on transcript NM_000900.5 (MANE Select); coding-DNA position 205, A replaced by C.
Protein change: p.Asn69His; replaces asparagine 69 with histidine.
Molecular consequence: missense variant.
Genome position (GRCh38, 1-based): chr12:14,882,246, T>G on the plus strand (A>C on the coding strand, the complement: MGP is on the minus strand). VCF-style: chr12-14882246-T-G. GRCh37 (hg19) VCF-style: chr12-15035180-T-G.
Other names: c.280A>C, p.Asn94His (NM_001190839.3); short protein forms N69H, N94H.
Identifiers: ClinVar variation 2878898 (VCV002878898.3), dbSNP rs539042522, ClinGen allele CA6465144.
Genomic context (GRCh38, chr12:14,882,246, plus strand): 5'-TGTATCCATAAACCATGGCGTAGCGTTCGCAAAGTCTGTAGTCATCACAGGCTTCCCTAT[T>G]GAGCTCGTGGACAGGCTTAGAGCGTTCTCGGATCCTAGAAAGTGGAAGAAGAGGCCAAAA-3'
Protein context (NP_000891.2, residues 59-79): RERSKPVHEL[Asn69His]REACDDYRLC